The following is an entry in ClinVar:

ClinVar aggregate classification (germline): Uncertain significance. Review status: criteria provided, multiple submitters, no conflicts (2 of 4 stars). 2 submissions from 2 submitters: Uncertain significance (2). Last evaluated 2026-08-01.

Allele frequency attached by ClinVar (database versions not stated): gnomAD exomes 0.00001.
gnomAD v4.1: 3 of 1,612,642 alleles (0.00019%); highest among the groups gnomAD compares: Non-Finnish European, 0.00025%; no homozygotes.

Submissions (2):

CeGaT Center for Human Genetics Tuebingen
Classification: Uncertain significance. Last evaluated: 2026-08-01. Review status: criteria provided, single submitter. Criteria: CeGaT Center For Human Genetics Tuebingen Variant Classification Criteria Version 2. Collection method: clinical testing. Allele origin: germline. Affected: yes. Observed: 1 variant allele.
Comment: IKZF1: PP2

Genetic Services Laboratory, University of Chicago
Classification: Uncertain significance. Last evaluated: 2021-10-19. Review status: criteria provided, single submitter. Criteria: ACMG Guidelines, 2015. Collection method: clinical testing. Allele origin: germline. Affected: no.
Comment: DNA sequence analysis of the IKZF1 gene demonstrated a sequence change, c.1525A>G, in exon 8 that results in an amino acid change, p.Ile509Val. This sequence change does not appear to have been previously described in individuals with IKZF1-related disorders. This sequence change is absent in the gnomAD population database. The p.Ile509Val change affects a highly conserved amino acid residue located in a domain of the IKZF1 protein that is known to be functional. In-silico pathogenicity prediction tools (SIFT, PolyPhen2, Align GVGD, REVEL) provide contradictory results for the p.Ile509Val substitution. Due to insufficient evidence and the lack of functional studies, the clinical significance of the p.Ile509Val change remains unknown at this time.

NM_006060.6(IKZF1):c.1525A>G (p.Ile509Val)

Gene: IKZF1 (IKAROS family zinc finger 1; plus strand). Cytogenetic location: 7p12.2.
Variant type: single nucleotide variant.
Coding change: c.1525A>G on transcript NM_006060.6 (MANE Select); coding-DNA position 1525, A replaced by G.
Protein change: p.Ile509Val; replaces isoleucine 509 with valine.
Molecular consequence: missense variant.
Genome position (GRCh38, 1-based): chr7:50,400,592, A>G. VCF-style: chr7-50400592-A-G. GRCh37 (hg19) VCF-style: chr7-50468290-A-G.
Other names: c.1399A>G, p.Ile467Val (NM_001220765.3, NM_001291837.2); c.1234A>G, p.Ile412Val (NM_001220767.2); c.1264A>G, p.Ile422Val (NM_001220768.2, NM_001291838.2); c.1108A>G, p.Ile370Val (NM_001220770.2); c.1096A>G, p.Ile366Val (NM_001220771.2, NM_001291841.1); c.1138A>G, p.Ile380Val (NM_001291839.2); c.835A>G, p.Ile279Val (NM_001291840.1); c.1066A>G, p.Ile356Val (NM_001291842.1); and 2 more; short protein forms I279V, I314V, I324V, I356V, I366V, I370V, I380V, I412V.
Identifiers: ClinVar variation 1338124 (VCV001338124.5), dbSNP rs762184064, ClinGen allele CA367525371.
Genomic context (GRCh38, chr7:50,400,592, plus strand): 5'-CCTTTTGAGTGCAACATGTGCGGCTACCACAGCCAGGACCGGTACGAGTTCTCGTCGCAC[A>G]TAACGCGAGGGGAGCACCGCTTCCACATGAGCTAAAGCCCTCCCGCGCCCCCACCCCAGA-3'
Protein context (NP_006051.1, residues 499-519): SQDRYEFSSH[Ile509Val]TRGEHRFHMS